The following is an entry in ClinVar:

NM_024408.4(NOTCH2):c.2546_2547del (p.Lys849fs)

Gene: NOTCH2 (notch receptor 2; minus strand). Cytogenetic location: 1p12.
Variant type: Deletion.
Coding change: c.2546_2547del on transcript NM_024408.4 (MANE Select); coding-DNA positions 2546 to 2547, 2 bases deleted (AA; older notation c.2546_2547delAA).
Protein change: p.Lys849fs; shifts the reading frame from lysine 849.
Molecular consequence: frameshift variant.
Genome position (GRCh38, 1-based): chr1:119,949,059-119,949,060, TT deleted on the plus strand (AA on the coding strand, the reverse complement: NOTCH2 is on the minus strand); deleting any 2 consecutive bases within chr1:119,949,059-119,949,061 gives the same sequence; the c. name uses the placement nearest the transcript's 3' end. VCF-style (leftmost placement, unchanged base first): chr1-119949058-CTT-C. GRCh37 (hg19) VCF-style: chr1-120491681-CTT-C.
Other names: c.2546_2547del, p.Lys849fs (NM_001200001.2); short protein forms K849fs.
Identifiers: ClinVar variation 4530442 (VCV004530442.1).
Genomic context (GRCh38, chr1:119,949,058, plus strand): 5'-TGTTCTTACCTTGCCAGCCAGGAGCACACAAGCAAGTATAACTCTCAAAATTTGGTGACT[CTT>C]TGCAAACAGCAGCATTCTCACAAGGGTTTGGGGAACAGGGAGCCAATACTGTCTGACAAT-3'

ClinVar aggregate classification (somatic clinical impact): Tier II - Potential (1 of 4 stars; one submission).

Conditions:
Diffuse glioma, H3 G34 mutant. Identifiers: MedGen CN377580, MONDO:0957197.

Submission:

Institute for Genomic Medicine (IGM) Clinical Laboratory, Nationwide Children's Hospital
Classification: Tier II - Potential for Diffuse glioma, H3 G34 mutant. Assertion type: diagnostic. Clinical significance: supports diagnosis. Last evaluated: 2025-10-01. Review status: criteria provided, single submitter. Criteria: AMP/ASCO/CAP Guidelines, 2017. Collection method: clinical testing. Allele origin: somatic. Affected: yes.
Comment: Variant has Tier II (potential) clinical significance as a diagnostic inclusion criterion in diffuse glioma, H3 G34 mutant, based on the following evidence: 1) Documented in one or more cancer databases (e.g., St. Jude Pecan, COSMIC, CIViC, OncoKB). 2) Information in the literature supports potential biologic effect of variant (PMID: 22006338). 3) Assists in diagnosis alone or along with other biomarkers based on small studies or few case reports (Evidence Level D; PMIDs: 22006338, 23917401, 24140581).

Literature cited by the submitters: PubMed 22006338; PubMed 23917401; PubMed 24140581.